The following is an entry in ClinVar:

ClinVar aggregate classification (germline): Pathogenic/Likely pathogenic. Review status: criteria provided, multiple submitters, no conflicts (2 of 4 stars). 4 submissions from 4 submitters: Pathogenic (2); Likely pathogenic (1). 1 of the submissions does not count toward it. Last evaluated 2024-09-23.

Conditions:
Landau-Kleffner syndrome (FESD). Also called: EPILEPSY, FOCAL, WITH SPEECH DISORDER AND WITH OR WITHOUT MENTAL RETARDATION; APHASIA, ACQUIRED, WITH EPILEPSY. Identifiers: Orphanet 1945, Orphanet 725, Orphanet 98818, MedGen C0282512, MONDO:0009509, OMIM 245570.

Submissions (4):

Labcorp Genetics (formerly Invitae), Labcorp
Classification: Pathogenic for Landau-Kleffner syndrome. Last evaluated: 2024-09-23. Review status: criteria provided, single submitter. Criteria: Invitae Variant Classification Sherloc (09022015). Collection method: clinical testing. Allele origin: germline.
Comment: This sequence change affects the initiator methionine of the GRIN2A mRNA. The next in-frame methionine is located at codon 39. This variant is not present in population databases (gnomAD no frequency). Disruption of the initiator codon has been observed in individual(s) with GRIN2A-related conditions (PMID: 23933818). ClinVar contains an entry for this variant (Variation ID: 88728). This variant disrupts a region of the GRIN2A protein in which other variant(s) (p.Leu15Pro) have been determined to be pathogenic (internal data). This suggests that this is a clinically significant region of the protein, and that variants that disrupt it are likely to be disease-causing. For these reasons, this variant has been classified as Pathogenic.

GeneDx
Classification: Pathogenic. Last evaluated: 2024-03-20. Review status: criteria provided, single submitter. Criteria: GeneDx Variant Classification Process June 2021. Collection method: clinical testing. Allele origin: germline. Affected: yes.
Comment: Initiation codon variant in a gene for which loss of function is a known mechanism of disease; Not observed at significant frequency in large population cohorts (gnomAD); This variant is associated with the following publications: (PMID: 30544257, 26147798, 27096365, 23933818)

Institute of Human Genetics, University of Leipzig Medical Center
Classification: Likely pathogenic for Landau-Kleffner syndrome. Last evaluated: 2019-01-01. Review status: criteria provided, single submitter. Criteria: ACMG Guidelines, 2015. Collection method: research. Allele origin: unknown. Affected: yes.

OMIM
Classification: Pathogenic for EPILEPSY, FOCAL, WITH SPEECH DISORDER AND WITH OR WITHOUT MENTAL RETARDATION. Last evaluated: 2013-09-01. Review status: no assertion criteria provided. Collection method: literature only. Allele origin: germline. Not counted in ClinVar's aggregate classification.

Literature cited by the submitters: PubMed 23933818 (cited by Labcorp Genetics (formerly Invitae), Labcorp and OMIM); PubMed 30544257 (cited by Institute of Human Genetics, University of Leipzig Medical Center).

NM_001134407.3(GRIN2A):c.2T>C (p.Met1Thr)

Gene: GRIN2A (glutamate ionotropic receptor NMDA type subunit 2A; minus strand). Cytogenetic location: 16p13.2.
Variant type: single nucleotide variant.
Coding change: c.2T>C on transcript NM_001134407.3 (MANE Select); coding-DNA position 2, T replaced by C.
Protein change: p.Met1Thr; changes the start codon (methionine 1).
Molecular consequence: missense variant, initiator codon variant.
Genome position (GRCh38, 1-based): chr16:10,180,410, A>G on the plus strand (T>C on the coding strand, the complement: GRIN2A is on the minus strand). VCF-style: chr16-10180410-A-G. GRCh37 (hg19) VCF-style: chr16-10274267-A-G.
Other names: c.2T>C, p.Met1Thr (NM_000833.5, NM_001134408.2); c.2T>C (NM_000833.3); short protein forms M1T.
Identifiers: ClinVar variation 88728 (VCV000088728.7), dbSNP rs397518466, ClinGen allele CA145312.
Genomic context (GRCh38, chr16:10,180,410, plus strand): 5'-GGACCGCGCCAGACCAGAAGGGCCGGCAGCACCAGCAGGGTCCAATAGCCCACTCTGCCC[A>G]TAGTCGCCACTGACGGTCCCTGCAAGGTGAAGAGTGAGAGGCAGGGCCGCGGTGAGCAAG-3'
Protein context (NP_001127879.1, residues 1-11): [Met1Thr]GRVGYWTLLV